The following is an entry in ClinVar:

ClinVar aggregate classification (germline): Likely pathogenic (1 of 4 stars; one submission).

Conditions:
Autosomal recessive Alport syndrome (ATS2). Also called: Alport syndrome type 2; COL4A4 Alport Syndrome and Thin Basement Membrane Nephropathy; ALPORT SYNDROME 2, AUTOSOMAL RECESSIVE; COL4A3-Related Nephropathy. Identifiers: Orphanet 63, Orphanet 88919, MedGen C4746745, MONDO:0008762, OMIM 203780.

Submission:

Myriad Genetics, Inc.
Classification: Likely pathogenic for Autosomal recessive Alport syndrome. Last evaluated: 2022-04-29. Review status: criteria provided, single submitter. Criteria: Myriad Women's Health Autosomal Recessive and X-Linked Classification Criteria (2021). Collection method: clinical testing. Allele origin: unknown.
Comment: NM_000092.4(COL4A4):c.2211del1ins9(S738Afs*18) is expected to be pathogenic in the context of COL4A4-related Alport syndrome. This variant is predicted to lead to an abnormal or absent protein product due to the creation of a premature termination codon in COL4A4, a gene where loss-of-function variants are known to be pathogenic. Please note: this variant was assessed in the context of healthy population screening.

NM_000092.5(COL4A4):c.2211delinsTGCTAATTC (p.Ser738fs)

Gene: COL4A4 (collagen type IV alpha 4 chain; minus strand). Cytogenetic location: 2q36.3.
Variant type: Indel.
Coding change: c.2211delinsTGCTAATTC on transcript NM_000092.5 (MANE Select); coding-DNA position 2211, G replaced by TGCTAATTC.
Protein change: p.Ser738fs; shifts the reading frame from serine 738.
Molecular consequence: frameshift variant.
Genome position (GRCh38, 1-based): chr2:227,059,577, C replaced by GAATTAGCA on the plus strand (G replaced by TGCTAATTC on the coding strand, the reverse complement: COL4A4 is on the minus strand). VCF-style: chr2-227059577-C-GAATTAGCA. GRCh37 (hg19) VCF-style: chr2-227924293-C-GAATTAGCA.
Other names: short protein forms S738fs.
Identifiers: ClinVar variation 1725983 (VCV001725983.2), dbSNP rs2474224530, ClinGen allele CA2580065923.
Genomic context (GRCh38, chr2:227,059,577, plus strand): 5'-TCCTTTCTGACCATTCACTCCTGGTGAGCCGGGAGGGCCTGGGGGCCCAACAGGGGAGGA[C>GAATTAGCA]CCCTTTTCACCTCCAAAACCCGGATCTCCCATGTCACCACGAAAACCTATTTAACAACAA-3'